The following is an entry in ClinVar:

NM_000548.5(TSC2):c.1028C>G (p.Thr343Ser)

Gene: TSC2 (TSC complex subunit 2; plus strand). Cytogenetic location: 16p13.3.
Variant type: single nucleotide variant.
Coding change: c.1028C>G on transcript NM_000548.5 (MANE Select); coding-DNA position 1028, C replaced by G.
Protein change: p.Thr343Ser; replaces threonine 343 with serine.
Molecular consequence: missense variant. On other transcripts: 5 prime UTR variant (10), non-coding transcript variant (5).
Genome position (GRCh38, 1-based): chr16:2,060,722, C>G. VCF-style: chr16-2060722-C-G. GRCh37 (hg19) VCF-style: chr16-2110723-C-G.
Other names: c.881C>G, p.Thr294Ser (NM_001406675.1, NM_001406676.1, NM_001406679.1 and 1 more transcripts); c.971C>G, p.Thr324Ser (NM_001406677.1); c.917C>G, p.Thr306Ser (NM_001406678.1, NM_001318827.2, NM_001406670.1); c.428C>G, p.Thr143Ser (NM_001406680.1, NM_001406682.1, NM_001406683.1 and 6 more transcripts); c.566C>G, p.Thr189Ser (NM_001406681.1); c.1028C>G, p.Thr343Ser (NM_001077183.3, NM_001114382.3, NM_001363528.2 and 6 more transcripts); c.1061C>G, p.Thr354Ser (NM_001318832.2); c.1118C>G, p.Thr373Ser (NM_001406667.1, NM_001406668.1); and 4 more; short protein forms T143S, T189S, T294S, T306S, T324S, T339S, T343S, T354S.
Identifiers: ClinVar variation 4802842 (VCV004802842.1).

ClinVar aggregate classification (germline): Uncertain significance (1 of 4 stars; one submission).

Conditions:
Tuberous sclerosis 2 (TSC2). Identifiers: Orphanet 805, MedGen C1860707, MONDO:0013199, OMIM 613254.

Submission:

Labcorp Genetics (formerly Invitae), Labcorp
Classification: Uncertain significance for Tuberous sclerosis 2. Last evaluated: 2025-08-27. Review status: criteria provided, single submitter. Criteria: Invitae Variant Classification Sherloc (09022015). Collection method: clinical testing. Allele origin: germline.
Comment: This sequence change replaces threonine, which is neutral and polar, with serine, which is neutral and polar, at codon 343 of the TSC2 protein (p.Thr343Ser). This variant is not present in population databases (gnomAD no frequency). This variant has not been reported in the literature in individuals affected with TSC2-related conditions. Invitae Evidence Modeling of protein sequence and biophysical properties (such as structural, functional, and spatial information, amino acid conservation, physicochemical variation, residue mobility, and thermodynamic stability) indicates that this missense variant is not expected to disrupt TSC2 protein function with a negative predictive value of 95%. In summary, the available evidence is currently insufficient to determine the role of this variant in disease. Therefore, it has been classified as a Variant of Uncertain Significance.